The following is an entry in ClinVar:

ClinVar aggregate classification (germline): Likely benign. Review status: criteria provided, multiple submitters, no conflicts (2 of 4 stars). 4 submissions from 4 submitters: Likely benign (3). 1 of the submissions does not count toward it. Last evaluated 2026-01-01.

Conditions:
Bardet-Biedl syndrome (BBS). Identifiers: Orphanet 110, MedGen C0752166, MONDO:0015229.
BBS9-related disorder. Also called: BBS9-related condition.
Bardet-Biedl syndrome 9 (BBS9). Identifiers: Orphanet 110, MedGen C1859567, MONDO:0014437, OMIM 615986.

Allele frequency attached by ClinVar (database versions not stated): ExAC 0.00001; gnomAD 0.00003; gnomAD exomes 0.00003 and 0.00008; TOPMed 0.00004.
gnomAD v4.1: 127 of 1,614,028 alleles (0.0079%); highest among the groups gnomAD compares: Non-Finnish European, 0.0094%; no homozygotes.

Submissions (4):

CeGaT Center for Human Genetics Tuebingen
Classification: Likely benign. Last evaluated: 2026-01-01. Review status: criteria provided, single submitter. Criteria: CeGaT Center For Human Genetics Tuebingen Variant Classification Criteria Version 2. Collection method: clinical testing. Allele origin: germline. Affected: yes. Observed: 1 variant allele.
Comment: BBS9: BP4, BP7

Labcorp Genetics (formerly Invitae), Labcorp
Classification: Likely benign for Bardet-Biedl syndrome. Last evaluated: 2025-12-14. Review status: criteria provided, single submitter. Criteria: Invitae Variant Classification Sherloc (09022015). Collection method: clinical testing. Allele origin: germline.

Fulgent Genetics
Classification: Likely benign for Bardet-Biedl syndrome 9. Last evaluated: 2022-02-03. Review status: criteria provided, single submitter. Criteria: ACMG Guidelines, 2015. Collection method: clinical testing. Allele origin: unknown.

PreventionGenetics, part of Exact Sciences
Classification: Likely benign for BBS9-related condition. Last evaluated: 2020-12-22. Review status: no assertion criteria provided. Collection method: clinical testing. Allele origin: germline. Not counted in ClinVar's aggregate classification.
Comment: This variant is classified as likely benign based on ACMG/AMP sequence variant interpretation guidelines (Richards et al. 2015 PMID: 25741868, with internal and published modifications).

NM_198428.3(BBS9):c.2487C>T (p.Thr829=)

Gene: BBS9 (Bardet-Biedl syndrome 9; plus strand). Cytogenetic location: 7p14.3.
Variant type: single nucleotide variant.
Coding change: c.2487C>T on transcript NM_198428.3 (MANE Select); coding-DNA position 2487, C replaced by T.
Protein change: p.Thr829=; no amino-acid change (threonine 829 retained).
Molecular consequence: synonymous variant. On other transcripts: non-coding transcript variant (3).
Genome position (GRCh38, 1-based): chr7:33,534,142, C>T. VCF-style: chr7-33534142-C-T. GRCh37 (hg19) VCF-style: chr7-33573754-C-T.
Other names: c.2487C>T (NM_198428.2); c.2382C>T, p.Thr794= (NM_001033604.2); c.2472C>T, p.Thr824= (NM_001033605.2); c.2487C>T, p.Thr829= (NM_001348036.1, NM_001348041.4, NM_001348043.3 and 1 more transcripts); c.1938C>T, p.Thr646= (NM_001348037.3); c.2214C>T, p.Thr738= (NM_001348038.3); c.2109C>T, p.Thr703= (NM_001348039.3); c.2367C>T, p.Thr789= (NM_001348040.3, NM_014451.4); and 3 more.
Identifiers: ClinVar variation 1597837 (VCV001597837.15), dbSNP rs746373450, ClinGen allele CA4214699.
Genomic context (GRCh38, chr7:33,534,142, plus strand): 5'-GAAACATATCACCTTGCTCTGCGATAGATTATCCAAAGGTGGCCGTCTCTGCCTAAGTAC[C>T]GATGCAGCAGCCCCACAGACCATGGTCATGCCAGGTAAGAGCTCTGTCCATGCTCCCTAA-3'
Protein context (NP_940820.1, residues 819-839): LSKGGRLCLS[Thr829=]DAAAPQTMVM